The following is an entry in ClinVar:

NM_015662.3(IFT172):c.2045A>T (p.Tyr682Phe)

Gene: IFT172 (intraflagellar transport 172; minus strand). Cytogenetic location: 2p23.3.
Variant type: single nucleotide variant.
Coding change: c.2045A>T on transcript NM_015662.3 (MANE Select); coding-DNA position 2045, A replaced by T.
Protein change: p.Tyr682Phe; replaces tyrosine 682 with phenylalanine.
Molecular consequence: missense variant.
Genome position (GRCh38, 1-based): chr2:27,462,771, T>A on the plus strand (A>T on the coding strand, the complement: IFT172 is on the minus strand). VCF-style: chr2-27462771-T-A. GRCh37 (hg19) VCF-style: chr2-27685638-T-A.
Other names: c.1979A>T, p.Tyr660Phe (NM_001410739.1); short protein forms Y682F, Y660F.
Identifiers: ClinVar variation 4979578 (VCV004979578.1).

ClinVar aggregate classification (germline): Uncertain significance (1 of 4 stars; one submission).

Conditions:
IFT172-related disorder. Also called: IFT172-related condition; IFT172-related disorders.

gnomAD v4.1: 11 of 1,614,158 alleles (0.00068%); highest among the groups gnomAD compares: South Asian, 0.0011%; no homozygotes.

Submission:

PreventionGenetics, part of Exact Sciences
Classification: Uncertain significance for IFT172-related condition. Last evaluated: 2025-08-12. Review status: criteria provided, single submitter. Criteria: ACMG Guidelines, 2015. Collection method: clinical testing. Allele origin: germline.
Comment: The IFT172 c.2045A>T variant is predicted to result in the amino acid substitution p.Tyr682Phe. To our knowledge, this variant has not been reported in the literature. This variant is reported in 0.00088% of alleles in individuals of European (Non-Finnish) descent in gnomAD. At this time, the clinical significance of this variant is uncertain due to the absence of conclusive functional and genetic evidence.